The following is an entry in ClinVar:

NM_017763.6(RNF43):c.1682G>C (p.Arg561Pro)

Gene: RNF43 (ring finger protein 43; minus strand). Cytogenetic location: 17q22.
Variant type: single nucleotide variant.
Coding change: c.1682G>C on transcript NM_017763.6 (MANE Select); coding-DNA position 1682, G replaced by C.
Protein change: p.Arg561Pro; replaces arginine 561 with proline.
Molecular consequence: missense variant.
Genome position (GRCh38, 1-based): chr17:58,358,094, C>G on the plus strand (G>C on the coding strand, the complement: RNF43 is on the minus strand). VCF-style: chr17-58358094-C-G. GRCh37 (hg19) VCF-style: chr17-56435455-C-G.
Other names: c.1682G>C, p.Arg561Pro (NM_001438822.1, NM_001305544.3, NM_001438820.1 and 1 more transcripts); c.1301G>C, p.Arg434Pro (NM_001305545.2, NM_001437987.1); short protein forms R434P, R561P.
Identifiers: ClinVar variation 5028362 (VCV005028362.1).

ClinVar aggregate classification (germline): Uncertain significance (1 of 4 stars; one submission).

gnomAD v4.1: 1 of 1,609,052 alleles (0.000062%); highest among the groups gnomAD compares: Non-Finnish European, 0.000085%; no homozygotes.

Submission:

Ambry Genetics
Classification: Uncertain significance. Last evaluated: 2026-08-31. Review status: criteria provided, single submitter. Criteria: Ambry Variant Classification Scheme 2023. Collection method: clinical testing. Allele origin: germline.
Comment: The p.R561P variant (also known as c.1682G>C), located in coding exon 8 of the RNF43 gene, results from a G to C substitution at nucleotide position 1682. The arginine at codon 561 is replaced by proline, an amino acid with dissimilar properties. This amino acid position is conserved. In addition, this alteration is predicted to be tolerated by in silico analysis. Based on the available evidence, the clinical significance of this variant remains unclear.